The following is an entry in ClinVar:

ClinVar aggregate classification (germline): Likely benign (1 of 4 stars; one submission).

gnomAD v4.1: 4 of 1,048,575 alleles (0.00038%); highest among the groups gnomAD compares: Non-Finnish European, 0.00049%; no homozygotes.

Submission:

CeGaT Center for Human Genetics Tuebingen
Classification: Likely benign. Last evaluated: 2026-09-01. Review status: criteria provided, single submitter. Criteria: CeGaT Center For Human Genetics Tuebingen Variant Classification Criteria Version 2. Collection method: clinical testing. Allele origin: germline. Affected: yes. Observed: 1 variant allele.
Comment: FAM47C: BP4, BP7

NM_001013736.3(FAM47C):c.1833A>T (p.Pro611=)

Gene: FAM47C (family with sequence similarity 47 member C; plus strand). Cytogenetic location: Xp21.1.
Variant type: single nucleotide variant.
Coding change: c.1833A>T on transcript NM_001013736.3 (MANE Select); coding-DNA position 1833, A replaced by T.
Protein change: p.Pro611=; no amino-acid change (proline 611 retained).
Molecular consequence: synonymous variant.
Genome position (GRCh38, 1-based): chrX:37,010,243, A>T. VCF-style: chrX-37010243-A-T. GRCh37 (hg19) VCF-style: chrX-37028316-A-T.
Identifiers: ClinVar variation 5040809 (VCV005040809.1).